The following is an entry in ClinVar:

NM_003922.4(HERC1):c.2015T>A (p.Ile672Asn)

Gene: HERC1 (HECT and RLD domain containing E3 ubiquitin protein ligase family member 1; minus strand). Cytogenetic location: 15q22.31.
Variant type: single nucleotide variant.
Coding change: c.2015T>A on transcript NM_003922.4 (MANE Select); coding-DNA position 2015, T replaced by A.
Protein change: p.Ile672Asn; replaces isoleucine 672 with asparagine.
Molecular consequence: missense variant.
Genome position (GRCh38, 1-based): chr15:63,749,679, A>T on the plus strand (T>A on the coding strand, the complement: HERC1 is on the minus strand). VCF-style: chr15-63749679-A-T. GRCh37 (hg19) VCF-style: chr15-64041878-A-T.
Other names: short protein forms I672N.
Identifiers: ClinVar variation 1317271 (VCV001317271.2), dbSNP rs1249057934, ClinGen allele CA392802961.

ClinVar aggregate classification (germline): Uncertain significance (1 of 4 stars; one submission).

gnomAD v4.1: 2 of 1,597,528 alleles (0.00013%); highest among the groups gnomAD compares: Non-Finnish European, 0.00017%; no homozygotes.

Submission:

GeneDx
Classification: Uncertain significance. Last evaluated: 2020-07-23. Review status: criteria provided, single submitter. Criteria: GeneDx Variant Classification Process June 2021. Collection method: clinical testing. Allele origin: germline. Affected: yes.
Comment: Not observed in large population cohorts (Lek et al., 2016); In silico analysis supports that this missense variant has a deleterious effect on protein structure/function; Has not been previously published as pathogenic or benign to our knowledge